The following is an entry in ClinVar:

ClinVar aggregate classification (germline): Uncertain significance. Review status: criteria provided, multiple submitters, no conflicts (2 of 4 stars). 2 submissions from 2 submitters: Uncertain significance (2). Last evaluated 2026-07-01.

Conditions:
Inborn genetic diseases. Identifiers: MedGen C0950123, MeSH D030342.

gnomAD v4.1: 13 of 1,609,430 alleles (0.00081%); highest among the groups gnomAD compares: African/African-American, 0.0013%; no homozygotes.

Submissions (2):

CeGaT Center for Human Genetics Tuebingen
Classification: Uncertain significance. Last evaluated: 2026-07-01. Review status: criteria provided, single submitter. Criteria: CeGaT Center For Human Genetics Tuebingen Variant Classification Criteria Version 2. Collection method: clinical testing. Allele origin: germline. Affected: yes. Observed: 1 variant allele.
Comment: CHD5: PS2:Moderate, BP5, BS1:Supporting

Ambry Genetics
Classification: Uncertain significance for Inborn genetic diseases. Last evaluated: 2025-08-09. Review status: criteria provided, single submitter. Criteria: Ambry Variant Classification Scheme 2023. Collection method: clinical testing. Allele origin: germline.

NM_015557.3(CHD5):c.935G>A (p.Arg312His)

Gene: CHD5 (chromodomain helicase DNA binding protein 5; minus strand). Cytogenetic location: 1p36.31.
Variant type: single nucleotide variant.
Coding change: c.935G>A on transcript NM_015557.3 (MANE Select); coding-DNA position 935, G replaced by A.
Protein change: p.Arg312His; replaces arginine 312 with histidine.
Molecular consequence: missense variant.
Genome position (GRCh38, 1-based): chr1:6,151,091, C>T on the plus strand (G>A on the coding strand, the complement: CHD5 is on the minus strand). VCF-style: chr1-6151091-C-T. GRCh37 (hg19) VCF-style: chr1-6211151-C-T.
Other names: short protein forms R312H.
Identifiers: ClinVar variation 4227800 (VCV004227800.2).
Genomic context (GRCh38, chr1:6,151,091, plus strand): 5'-CTCCTCTTCTTCTTGCGCCTCCTCTTGCTCTTCTTGCCCAGGGCTGCAGAGCATTCGGAG[C>T]GCACGGAGGCACTGTGGATGCTGGCGCTGTCGAAGTCCGACTCCTCCCTCTCATCTTCTT-3'
Protein context (NP_056372.1, residues 302-322): DSASIHSASV[Arg312His]SECSAALGKK